The following is an entry in ClinVar:

ClinVar aggregate classification (germline): Uncertain significance (1 of 4 stars; one submission).

Conditions:
Cardiovascular phenotype. Identifiers: MedGen CN230736.

Submission:

Ambry Genetics
Classification: Uncertain significance for Cardiovascular phenotype. Last evaluated: 2025-12-01. Review status: criteria provided, single submitter. Criteria: Ambry Variant Classification Scheme 2023. Collection method: clinical testing. Allele origin: germline.
Comment: The p.A2936G variant (also known as c.8807C>G), located in coding exon 25 of the TNXB gene, results from a C to G substitution at nucleotide position 8807. The alanine at codon 2936 is replaced by glycine, an amino acid with similar properties. This amino acid position is conserved. In addition, this alteration is predicted to be tolerated by in silico analysis. Based on the available evidence, the clinical significance of this variant remains unclear.

NM_001365276.2(TNXB):c.8813C>G (p.Ala2938Gly)

Gene: TNXB (tenascin XB; minus strand). Cytogenetic location: 6p21.33.
Variant type: single nucleotide variant.
Coding change: c.8813C>G on transcript NM_001365276.2 (MANE Select); coding-DNA position 8813, C replaced by G.
Protein change: p.Ala2938Gly; replaces alanine 2938 with glycine.
Molecular consequence: missense variant.
Genome position (GRCh38, 1-based): chr6:32,052,972, G>C on the plus strand (C>G on the coding strand, the complement: TNXB is on the minus strand). VCF-style: chr6-32052972-G-C. GRCh37 (hg19) VCF-style: chr6-32020749-G-C.
Other names: c.9554C>G, p.Ala3185Gly (NM_001428335.1); c.8807C>G, p.Ala2936Gly (NM_019105.8); short protein forms A2936G, A3185G, A2938G.
Identifiers: ClinVar variation 4615187 (VCV004615187.1).
Genomic context (GRCh38, chr6:32,052,972, plus strand): 5'-AGCTCCCCCAGGAGCGGCTCCTCAGGGGGCTCCGGGGCCTCCGTGCTGGGTTCTGTGGGG[G>C]CGGGAGTTTCTTCCTCTGCAGCTGAGAAGAGGGGACAGAGAAGGTGAGGCAGCTTCCCTG-3'
Protein context (NP_001352205.1, residues 2928-2948): GVTAAEEETP[Ala2938Gly]PTEPSTEAPE